The following is an entry in ClinVar:

NM_017654.4(SAMD9):c.3260C>T (p.Ala1087Val)

Gene: SAMD9 (sterile alpha motif domain containing 9; minus strand). Cytogenetic location: 7q21.2.
Variant type: single nucleotide variant.
Coding change: c.3260C>T on transcript NM_017654.4 (MANE Select); coding-DNA position 3260, C replaced by T.
Protein change: p.Ala1087Val; replaces alanine 1087 with valine.
Molecular consequence: missense variant.
Genome position (GRCh38, 1-based): chr7:93,102,838, G>A on the plus strand (C>T on the coding strand, the complement: SAMD9 is on the minus strand). VCF-style: chr7-93102838-G-A. GRCh37 (hg19) VCF-style: chr7-92732151-G-A.
Other names: c.3260C>T, p.Ala1087Val (NM_001193307.2); c.3260C>T (NM_017654.3); short protein forms A1087V.
Identifiers: ClinVar variation 1399401 (VCV001399401.8), dbSNP rs374889916, ClinGen allele CA4342721.
Genomic context (GRCh38, chr7:93,102,838, plus strand): 5'-TTTGCCCAGTTTAGAGCATTGCCAAAGTCCTTCTTTTTAATGTAGAAATGTCTTGCCAAC[G>A]CTTGGCAAATGAATGCATTTGGGTTGAACCGATGGATACTTTCAAGCAATACAGCTTCAA-3'
Protein context (NP_060124.2, residues 1077-1097): RFNPNAFICQ[Ala1087Val]LARHFYIKKK

ClinVar aggregate classification (germline): Uncertain significance. Review status: criteria provided, multiple submitters, no conflicts (2 of 4 stars). 3 submissions from 3 submitters: Uncertain significance (3). Last evaluated 2025-06-17.

Conditions:
Monosomy 7 myelodysplasia and leukemia syndrome 2. Identifiers: MedGen C5436668, MONDO:0030801, OMIM 619041.
Inborn genetic diseases. Identifiers: MedGen C0950123, MeSH D030342.

Allele frequency attached by ClinVar (database versions not stated): gnomAD exomes 0.00001 and 0.00002; ExAC 0.00002; ESP Exome Variant Server 0.00008; gnomAD 0.00001; TOPMed 0.00002.
gnomAD v4.1: 4 of 1,613,660 alleles (0.00025%); highest among the groups gnomAD compares: Admixed American, 0.0033%; no homozygotes.

Submissions (3):

St. Jude Molecular Pathology, St. Jude Children's Research Hospital
Classification: Uncertain significance for Monosomy 7 myelodysplasia and leukemia syndrome 2. Last evaluated: 2025-06-17. Review status: criteria provided, single submitter. Criteria: St. Jude Assertion Criteria 2020. Collection method: clinical testing. Allele origin: germline.
Comment: The SAMD9 c.3260C>T p.(Ala1087Val) missense change has a maximum subpopulation frequency of 0.01% in gnomAD v2.1.1. The in silico tool REVEL predicts a benign effect on protein function, however in silico predictions have not been found to correlate with syndromic risk for SAMD9 variants and are thus not considered supporting evidence of a pathogenic or benign effect (PMID: 34621053). To our knowledge, this variant has not been reported in individuals with SAMD9-associated conditions. In summary, the evidence currently available is insufficient to determine the clinical significance of this variant. It has therefore been classified as of uncertain significance.

Ambry Genetics
Classification: Uncertain significance for Inborn genetic diseases. Last evaluated: 2024-11-28. Review status: criteria provided, single submitter. Criteria: Ambry Variant Classification Scheme 2023. Collection method: clinical testing. Allele origin: germline.
Comment: The p.A1087V variant (also known as c.3260C>T), located in coding exon 1 of the SAMD9 gene, results from a C to T substitution at nucleotide position 3260. The alanine at codon 1087 is replaced by valine, an amino acid with similar properties. This amino acid position is conserved. In addition, this alteration is predicted to be tolerated by in silico analysis. Based on the available evidence, the clinical significance of this variant remains unclear.

Labcorp Genetics (formerly Invitae), Labcorp
Classification: Uncertain significance. Last evaluated: 2021-08-28. Review status: criteria provided, single submitter. Criteria: Invitae Variant Classification Sherloc (09022015). Collection method: clinical testing. Allele origin: germline.
Comment: This sequence change replaces alanine with valine at codon 1087 of the SAMD9 protein (p.Ala1087Val). The alanine residue is moderately conserved and there is a small physicochemical difference between alanine and valine. This variant is present in population databases (rs374889916, ExAC 0.02%). This variant has not been reported in the literature in individuals affected with SAMD9-related conditions. Algorithms developed to predict the effect of missense changes on protein structure and function (SIFT, PolyPhen-2, Align-GVGD) all suggest that this variant is likely to be tolerated. In summary, the available evidence is currently insufficient to determine the role of this variant in disease. Therefore, it has been classified as a Variant of Uncertain Significance.